The following is an entry in ClinVar:

ClinVar aggregate classification (germline): Uncertain significance. Review status: criteria provided, multiple submitters, no conflicts (2 of 4 stars). 2 submissions from 2 submitters: Uncertain significance (2). Last evaluated 2023-11-18.

Conditions:
Inborn genetic diseases. Identifiers: MedGen C0950123, MeSH D030342.

Allele frequency attached by ClinVar (database versions not stated): gnomAD 0.00001; gnomAD exomes 0.00001; TOPMed 0.00003.

Submissions (2):

Ambry Genetics
Classification: Uncertain significance for Inborn genetic diseases. Last evaluated: 2023-11-18. Review status: criteria provided, single submitter. Criteria: Ambry Variant Classification Scheme 2023. Collection method: clinical testing. Allele origin: germline.

Labcorp Genetics (formerly Invitae), Labcorp
Classification: Uncertain significance. Last evaluated: 2022-03-19. Review status: criteria provided, single submitter. Criteria: Invitae Variant Classification Sherloc (09022015). Collection method: clinical testing. Allele origin: germline.
Comment: In summary, the available evidence is currently insufficient to determine the role of this variant in disease. Therefore, it has been classified as a Variant of Uncertain Significance. Algorithms developed to predict the effect of missense changes on protein structure and function (SIFT, PolyPhen-2, Align-GVGD) all suggest that this variant is likely to be tolerated. This variant has not been reported in the literature in individuals affected with YARS2-related conditions. This variant is present in population databases (rs758404647, gnomAD 0.003%). This sequence change replaces lysine, which is basic and polar, with glutamic acid, which is acidic and polar, at codon 347 of the YARS2 protein (p.Lys347Glu).

NM_001040436.3(YARS2):c.1039A>G (p.Lys347Glu)

Gene: YARS2 (tyrosyl-tRNA synthetase 2; minus strand). Cytogenetic location: 12p11.21.
Variant type: single nucleotide variant.
Coding change: c.1039A>G on transcript NM_001040436.3 (MANE Select); coding-DNA position 1039, A replaced by G.
Protein change: p.Lys347Glu; replaces lysine 347 with glutamic acid.
Molecular consequence: missense variant.
Genome position (GRCh38, 1-based): chr12:32,750,783, T>C on the plus strand (A>G on the coding strand, the complement: YARS2 is on the minus strand). VCF-style: chr12-32750783-T-C. GRCh37 (hg19) VCF-style: chr12-32903717-T-C.
Other names: c.1039A>G (NM_001040436.2); short protein forms K347E.
Identifiers: ClinVar variation 1989933 (VCV001989933.3), dbSNP rs758404647, ClinGen allele CA235216166.